The following is an entry in ClinVar:

NM_001009944.3(PKD1):c.11270-6T>G

Genes: PKD1 (polycystin 1, transient receptor potential channel interacting; minus strand), PKD1-AS1 (PKD1 antisense RNA 1; plus strand). Cytogenetic location: 16p13.3.
Variant type: single nucleotide variant.
Coding change: c.11270-6T>G on transcript NM_001009944.3 (MANE Select); 6 bases into the intron before coding-DNA position 11270, T replaced by G.
Molecular consequence: intron variant.
Genome position (GRCh38, 1-based): chr16:2,092,194, A>C on the plus strand (T>G on the coding strand, the complement: PKD1 is on the minus strand). VCF-style: chr16-2092194-A-C. GRCh37 (hg19) VCF-style: chr16-2142195-A-C.
Other names: c.11267-6T>G (NM_000296.4).
Identifiers: ClinVar variation 3578954 (VCV003578954.2).

ClinVar aggregate classification (germline): Uncertain significance. Review status: criteria provided, multiple submitters, no conflicts (2 of 4 stars). 2 submissions from 2 submitters: Uncertain significance (2). Last evaluated 2026-02-02.

Conditions:
Polycystic kidney disease, adult type (PKD1). Also called: Polycystic Kidney, Autosomal Dominant; Polycystic Kidney Disease 1, Autosomal Dominant; Polycystic kidney disease 1; Polycystic kidney disease 1, severe; POLYCYSTIC KIDNEY DISEASE 1 WITH OR WITHOUT POLYCYSTIC LIVER DISEASE; POLYCYSTIC KIDNEY DISEASE, ADULT, TYPE I. Identifiers: MedGen C3149841, MONDO:0008263, OMIM 173900.

Submissions (2):

GeneDx
Classification: Uncertain significance. Last evaluated: 2026-02-02. Review status: criteria provided, single submitter. Criteria: GeneDx Variant Classification Process June 2021. Collection method: clinical testing. Allele origin: germline.
Comment: Not observed at significant frequency in large population cohorts (gnomAD); In silico analysis supports a deleterious effect on splicing; Has not been previously published as pathogenic or benign to our knowledge

Fulgent Genetics
Classification: Uncertain significance for Polycystic kidney disease, adult type. Last evaluated: 2024-01-28. Review status: criteria provided, single submitter. Criteria: ACMG Guidelines, 2015. Collection method: clinical testing. Allele origin: germline.